The following is an entry in ClinVar:

NM_001261826.3(AP3D1):c.2575G>C (p.Glu859Gln)

Gene: AP3D1 (adaptor related protein complex 3 subunit delta 1; minus strand). Cytogenetic location: 19p13.3.
Variant type: single nucleotide variant.
Coding change: c.2575G>C on transcript NM_001261826.3 (MANE Select); coding-DNA position 2575, G replaced by C.
Protein change: p.Glu859Gln; replaces glutamic acid 859 with glutamine.
Molecular consequence: missense variant.
Genome position (GRCh38, 1-based): chr19:2,114,151, C>G on the plus strand (G>C on the coding strand, the complement: AP3D1 is on the minus strand). VCF-style: chr19-2114151-C-G. GRCh37 (hg19) VCF-style: chr19-2114150-C-G.
Other names: c.2575G>C, p.Glu859Gln (NM_001374799.1, NM_003938.8); short protein forms E859Q.
Identifiers: ClinVar variation 2848651 (VCV002848651.3), dbSNP rs1329058796, ClinGen allele CA403207889.
Genomic context (GRCh38, chr19:2,114,151, plus strand): 5'-TGGAGAAGGCCGCCGCCCTGGGCACTAGCCTTACCTTCTTCTCCTTCTCCTTCTTCTTCT[C>G]CTTGTCTCTCTCTTTCTCTTTGTGTTTTTTCTCTTTCTTCTTGGGTTTCTTGCTCTTCTT-3'
Protein context (NP_001248755.1, residues 849-869): KKHKEKERDK[Glu859Gln]KKKEKEKKAE

ClinVar aggregate classification (germline): Uncertain significance (1 of 4 stars; one submission).

Submission:

Labcorp Genetics (formerly Invitae), Labcorp
Classification: Uncertain significance. Last evaluated: 2023-04-14. Review status: criteria provided, single submitter. Criteria: Invitae Variant Classification Sherloc (09022015). Collection method: clinical testing. Allele origin: germline.
Comment: In summary, the available evidence is currently insufficient to determine the role of this variant in disease. Therefore, it has been classified as a Variant of Uncertain Significance. An algorithm developed to predict the effect of missense changes on protein structure and function (PolyPhen-2) suggests that this variant is likely to be tolerated. This variant has not been reported in the literature in individuals affected with AP3D1-related conditions. This variant is not present in population databases (gnomAD no frequency). This sequence change replaces glutamic acid, which is acidic and polar, with glutamine, which is neutral and polar, at codon 859 of the AP3D1 protein (p.Glu859Gln).